The following is an entry in ClinVar:

NM_005670.4(EPM2A):c.698C>T (p.Thr233Ile)

Gene: EPM2A (EPM2A glucan phosphatase, laforin; minus strand). Cytogenetic location: 6q24.3.
Variant type: single nucleotide variant.
Coding change: c.698C>T on transcript NM_005670.4 (MANE Select); coding-DNA position 698, C replaced by T.
Protein change: p.Thr233Ile; replaces threonine 233 with isoleucine.
Molecular consequence: missense variant. On other transcripts: intron variant (1).
Genome position (GRCh38, 1-based): chr6:145,635,265, G>A on the plus strand (C>T on the coding strand, the complement: EPM2A is on the minus strand). VCF-style: chr6-145635265-G-A. GRCh37 (hg19) VCF-style: chr6-145956401-G-A.
Other names: c.698C>T, p.Thr233Ile (NM_001018041.2, NM_001368130.1); c.284C>T, p.Thr95Ile (NM_001360064.2, NM_001360071.2, NM_001368131.1); c.236C>T, p.Thr79Ile (NM_001368129.2, NM_001368132.1); c.477-7572C>T (NM_001360057.2); c.698C>T (NM_005670.3); short protein forms T79I, T233I, T95I.
Identifiers: ClinVar variation 2881775 (VCV002881775.3), dbSNP rs1003076660, ClinGen allele CA149184178.

ClinVar aggregate classification (germline): Uncertain significance. Review status: criteria provided, multiple submitters, no conflicts (2 of 4 stars). 2 submissions from 2 submitters: Uncertain significance (2). Last evaluated 2025-04-14.

Conditions:
Progressive myoclonic epilepsy. Also called: Myoclonus epilepsy; Myoclonic Epilepsies, Progressive; Progressive myoclonus epilepsy; Familial progressive myoclonic epilepsy. Identifiers: Orphanet 308, Orphanet 98261, MedGen C0751778, MONDO:0020074.
Inborn genetic diseases. Identifiers: MedGen C0950123, MeSH D030342.

Allele frequency attached by ClinVar (database versions not stated): gnomAD exomes below 0.00001; TOPMed 0.00002.
gnomAD v4.1: 3 of 1,614,066 alleles (0.00019%); highest among the groups gnomAD compares: African/African-American, 0.0013%; no homozygotes.

Submissions (2):

Labcorp Genetics (formerly Invitae), Labcorp
Classification: Uncertain significance for Progressive myoclonic epilepsy. Last evaluated: 2025-04-14. Review status: criteria provided, single submitter. Criteria: Invitae Variant Classification Sherloc (09022015). Collection method: clinical testing. Allele origin: germline.
Comment: This sequence change replaces threonine, which is neutral and polar, with isoleucine, which is neutral and non-polar, at codon 233 of the EPM2A protein (p.Thr233Ile). This variant is not present in population databases (gnomAD no frequency). This variant has not been reported in the literature in individuals affected with EPM2A-related conditions. ClinVar contains an entry for this variant (Variation ID: 2881775). Invitae Evidence Modeling of protein sequence and biophysical properties (such as structural, functional, and spatial information, amino acid conservation, physicochemical variation, residue mobility, and thermodynamic stability) has been performed for this missense variant. However, the output from this modeling did not meet the statistical confidence thresholds required to predict the impact of this variant on EPM2A protein function. In summary, the available evidence is currently insufficient to determine the role of this variant in disease. Therefore, it has been classified as a Variant of Uncertain Significance.

Ambry Genetics
Classification: Uncertain significance for Inborn genetic diseases. Last evaluated: 2024-04-01. Review status: criteria provided, single submitter. Criteria: Ambry Variant Classification Scheme 2023. Collection method: clinical testing. Allele origin: germline.